The following is an entry in ClinVar:

ClinVar aggregate classification (germline): Benign (1 of 4 stars; one submission).

Allele frequency attached by ClinVar (database versions not stated): 1000 Genomes Project 0.56729; 1000 Genomes Project 30x 0.57573; gnomAD 0.58958 and 0.59952; TOPMed 0.60447.

Submission:

GeneDx
Classification: Benign. Last evaluated: 2018-06-19. Review status: criteria provided, single submitter. Criteria: GeneDx Variant Classification (06012015). Collection method: clinical testing. Allele origin: germline. Affected: yes.
Comment: This variant is considered likely benign or benign based on one or more of the following criteria: it is a conservative change, it occurs at a poorly conserved position in the protein, it is predicted to be benign by multiple in silico algorithms, and/or has population frequency not consistent with disease.

NM_016156.6(MTMR2):c.468+325T>C

Gene: MTMR2 (myotubularin related protein 2; minus strand). Cytogenetic location: 11q21.
Variant type: single nucleotide variant.
Coding change: c.468+325T>C on transcript NM_016156.6 (MANE Select); 325 bases into the intron after coding-DNA position 468, T replaced by C.
Molecular consequence: intron variant.
Genome position (GRCh38, 1-based): chr11:95,861,667, A>G on the plus strand (T>C on the coding strand, the complement: MTMR2 is on the minus strand). VCF-style: chr11-95861667-A-G. GRCh37 (hg19) VCF-style: chr11-95594831-A-G.
Other names: c.252+325T>C (NM_201281.3, NM_201278.3, NM_001243571.2).
Identifiers: ClinVar variation 684384 (VCV000684384.1), dbSNP rs523049, ClinGen allele CA13447331.
Genomic context (GRCh38, chr11:95,861,667, plus strand): 5'-AGAGATGCGTTTTCATCATGTTGGCCAGACTGATCTCGAACTCTTGACCTGATGTGATCC[A>G]CCTGCCTCAGTCTCTGAAAGTGTTGGGATTATAGGCGTGAGCCACCATGTCCGGCCAAGA-3'